The following is an entry in ClinVar:

ClinVar aggregate classification (germline): Uncertain significance (1 of 4 stars; one submission).

Conditions:
Charcot-Marie-Tooth disease axonal type 2O. Also called: CHARCOT-MARIE-TOOTH NEUROPATHY, AXONAL, TYPE 2O; CHARCOT-MARIE-TOOTH DISEASE, AXONAL, AUTOSOMAL DOMINANT, TYPE 2O; Charcot-Marie-Tooth Neuropathy Type 2O; Charcot-Marie-Tooth disease, axonal, type 20. Identifiers: Orphanet 284232, MedGen C3280220, MONDO:0013644, OMIM 614228.

Submission:

Labcorp Genetics (formerly Invitae), Labcorp
Classification: Uncertain significance for Charcot-Marie-Tooth disease axonal type 2O. Last evaluated: 2021-08-24. Review status: criteria provided, single submitter. Criteria: Invitae Variant Classification Sherloc (09022015). Collection method: clinical testing. Allele origin: germline.
Comment: This variant has not been reported in the literature in individuals with DYNC1H1-related conditions. This sequence change replaces glutamine with glutamic acid at codon 4589 of the DYNC1H1 protein (p.Gln4589Glu). The glutamine residue is highly conserved and there is a small physicochemical difference between glutamine and glutamic acid. This variant is not present in population databases (ExAC no frequency). Advanced modeling of protein sequence and biophysical properties (such as structural, functional, and spatial information, amino acid conservation, physicochemical variation, residue mobility, and thermodynamic stability) performed at Invitae indicates that this missense variant is not expected to disrupt DYNC1H1 protein function. In summary, the available evidence is currently insufficient to determine the role of this variant in disease. Therefore, it has been classified as a Variant of Uncertain Significance.

NM_001376.5(DYNC1H1):c.13765C>G (p.Gln4589Glu)

Gene: DYNC1H1 (dynein cytoplasmic 1 heavy chain 1; plus strand). Cytogenetic location: 14q32.31.
Variant type: single nucleotide variant.
Coding change: c.13765C>G on transcript NM_001376.5 (MANE Select); coding-DNA position 13765, C replaced by G.
Protein change: p.Gln4589Glu; replaces glutamine 4589 with glutamic acid.
Molecular consequence: missense variant.
Genome position (GRCh38, 1-based): chr14:102,050,151, C>G. VCF-style: chr14-102050151-C-G. GRCh37 (hg19) VCF-style: chr14-102516488-C-G.
Other names: short protein forms Q4589E.
Identifiers: ClinVar variation 1474203 (VCV001474203.8), dbSNP rs2152601525, ClinGen allele CA391051935.